The following is an entry in ClinVar:

ClinVar aggregate classification (germline): Benign/Likely benign. Review status: criteria provided, multiple submitters, no conflicts (2 of 4 stars). 3 submissions from 3 submitters: Benign (1); Likely benign (1). 1 of the submissions does not count toward it. Last evaluated 2026-01-16.

Conditions:
DYM-related disorder. Also called: DYM-related condition.

Allele frequency attached by ClinVar (database versions not stated): gnomAD exomes 0.00012; 1000 Genomes Project 30x 0.00078; 1000 Genomes Project 0.00080; ESP Exome Variant Server 0.00123; gnomAD 0.00153; TOPMed 0.00186.
gnomAD v4.1: 421 of 1,613,700 alleles (0.026%); highest among the groups gnomAD compares: African/African-American, 0.45%; 1 homozygote.

Submissions (3):

Labcorp Genetics (formerly Invitae), Labcorp
Classification: Benign. Last evaluated: 2026-01-16. Review status: criteria provided, single submitter. Criteria: Invitae Variant Classification Sherloc (09022015). Collection method: clinical testing. Allele origin: germline.

Blueprint Genetics
Classification: Likely benign. Last evaluated: 2024-11-14. Review status: criteria provided, single submitter. Criteria: ACMG Guidelines, 2015. Collection method: clinical testing. Allele origin: germline.

PreventionGenetics, part of Exact Sciences
Classification: Likely benign for DYM-related condition. Last evaluated: 2019-05-07. Review status: no assertion criteria provided. Collection method: clinical testing. Allele origin: germline. Not counted in ClinVar's aggregate classification.
Comment: This variant is classified as likely benign based on ACMG/AMP sequence variant interpretation guidelines (Richards et al. 2015 PMID: 25741868, with internal and published modifications).

NM_017653.6(DYM):c.140+8A>T

Gene: DYM (dymeclin; minus strand). Cytogenetic location: 18q21.1.
Variant type: single nucleotide variant.
Coding change: c.140+8A>T on transcript NM_017653.6; 8 bases into the intron after coding-DNA position 140, A replaced by T.
Genome position (GRCh38, 1-based): chr18:49,430,247, T>A on the plus strand (A>T on the coding strand, the complement: DYM is on the minus strand). VCF-style: chr18-49430247-T-A. GRCh37 (hg19) VCF-style: chr18-46956617-T-A.
Other names: c.140+8A>T (NM_001374439.1, NM_001374429.1, NM_001353211.3 and 21 more transcripts).
Identifiers: ClinVar variation 786661 (VCV000786661.14), dbSNP rs199833534, ClinGen allele CA8958498.